The following is an entry in ClinVar:

NM_024926.4(IFT56):c.792+10G>A

Gene: IFT56 (intraflagellar transport 56; plus strand). Cytogenetic location: 7q34.
Variant type: single nucleotide variant.
Coding change: c.792+10G>A on transcript NM_024926.4 (MANE Select); 10 bases into the intron after coding-DNA position 792, G replaced by A.
Molecular consequence: intron variant. On other transcripts: missense variant (1).
Genome position (GRCh38, 1-based): chr7:139,161,032, G>A. VCF-style: chr7-139161032-G-A. GRCh37 (hg19) VCF-style: chr7-138845778-G-A.
Other names: c.802G>A, p.Asp268Asn (NM_001321742.2); c.372+10G>A (NM_001318333.2); c.792+10G>A (NM_001321740.2, NM_001144920.3); c.474+10G>A (NM_001321741.2); c.400-4100G>A (NM_001287512.2); c.699+10G>A (NM_001144923.3); c.477+10G>A (NM_001287513.2); short protein forms D268N.
Identifiers: ClinVar variation 4979200 (VCV004979200.1).

ClinVar aggregate classification (germline): Uncertain significance (1 of 4 stars; one submission).

Conditions:
IFT56-related disorder. Also called: IFT56-related condition.

gnomAD v4.1: 67 of 1,611,872 alleles (0.0042%); highest among the groups gnomAD compares: African/African-American, 0.028%; no homozygotes.

Submission:

PreventionGenetics, part of Exact Sciences
Classification: Uncertain significance for IFT56-related condition. Last evaluated: 2026-01-26. Review status: criteria provided, single submitter. Criteria: ACMG Guidelines, 2015. Collection method: clinical testing. Allele origin: germline.
Comment: The IFT56 c.802G>A variant is predicted to result in the amino acid substitution p.Asp268Asn. To our knowledge, this variant has not been reported in the literature. This variant is reported in 0.024% of alleles in individuals of African descent in gnomAD. At this time, the clinical significance of this variant is uncertain due to the absence of conclusive functional and genetic evidence.